The following is an entry in ClinVar:

NM_000315.4(PTH):c.247C>T (p.Arg83Ter)

Gene: PTH (parathyroid hormone; minus strand). Cytogenetic location: 11p15.3.
Variant type: single nucleotide variant.
Coding change: c.247C>T on transcript NM_000315.4 (MANE Select); coding-DNA position 247, C replaced by T.
Protein change: p.Arg83Ter; replaces arginine 83 with a stop codon.
Molecular consequence: nonsense.
Genome position (GRCh38, 1-based): chr11:13,492,506, G>A on the plus strand (C>T on the coding strand, the complement: PTH is on the minus strand). VCF-style: chr11-13492506-G-A. GRCh37 (hg19) VCF-style: chr11-13514053-G-A.
Other names: c.343C>T, p.Arg115Ter (NM_001316352.2); short protein forms R83*, R115*.
Identifiers: ClinVar variation 13759 (VCV000013759.5), dbSNP rs6256, ClinGen allele CA123438.
Genomic context (GRCh38, chr11:13,492,506, plus strand): 5'-TGTCTGCCTCTCCAAGACTTTTTTCATGGCTCTCAACCAAGACATTGTCTTCCTTTTTTC[G>A]GGGCCTCTGGGAACCAGCATCTCTGGGAGCTAGAGGAGCTCCAAGGGCAACAAAATTGTG-3'

ClinVar aggregate classification (germline): Likely pathogenic. Review status: criteria provided, single submitter (1 of 4 stars). 2 submissions from 2 submitters: Likely pathogenic (1). 1 of the submissions does not count toward it. Last evaluated 2022-04-10.

Conditions:
Primary hyperparathyroidism. Also called: Primary hyperparathyroidism (disease). Identifiers: MedGen C0221002, MONDO:0010837, HP:0008200.
Familial hypoparathyroidism. Also called: Familial isolated hypoparathyroidism. Identifiers: Orphanet 2238, MedGen C1832648, MONDO:0016390.

Submissions (2):

Dasa
Classification: Likely pathogenic for Familial hypoparathyroidism. Last evaluated: 2022-04-10. Review status: criteria provided, single submitter. Criteria: ACMG Guidelines, 2015. Collection method: clinical testing. Allele origin: germline. Affected: yes. Observed: 1 variant allele.
Comment: The c.247C>T;p.(Arg83*) variant creates a premature translational stop signal in the PTH gene without sufficient information about prediction of nonsense mediated mRNA decay (NMD) type change; it is present in a relevant exon to the transcript, and disrupts >10% of the protein product - PVS1_strong. This sequence change has been observed in affected individual(s) (PMID: 18784115; 1425431) - PS4_supporting. The variant is present at low allele frequencies population databases (rs6256 – gnomAD 0.00003978%; ABraOM no frequency) - PM2_supporting. In summary, the currently available evidence indicates that the variant is likely pathogenic.

OMIM
Classification: Pathogenic for HYPERPARATHYROIDISM, PRIMARY. Last evaluated: 2008-09-11. Review status: no assertion criteria provided. Collection method: literature only. Allele origin: germline. Not counted in ClinVar's aggregate classification.

Literature cited by the submitters: PubMed 18784115 (cited by Dasa and OMIM); PubMed 1425431 (cited by Dasa and OMIM).